The following is an entry in ClinVar:

NM_000944.5(PPP3CA):c.1251_1252del (p.Ser417fs)

Gene: PPP3CA (protein phosphatase 3 catalytic subunit alpha; minus strand). Cytogenetic location: 4q24.
Variant type: Deletion.
Coding change: c.1251_1252del on transcript NM_000944.5 (MANE Select); coding-DNA positions 1251 to 1252, 2 bases deleted (TG; older notation c.1251_1252delTG).
Protein change: p.Ser417fs; shifts the reading frame from serine 417.
Molecular consequence: frameshift variant.
Genome position (GRCh38, 1-based): chr4:101,032,354-101,032,355, CA deleted on the plus strand (TG on the coding strand, the reverse complement: PPP3CA is on the minus strand); deleting any 2 consecutive bases within chr4:101,032,354-101,032,356 gives the same sequence; the c. name uses the placement nearest the transcript's 3' end. VCF-style (leftmost placement, unchanged base first): chr4-101032353-TCA-T. GRCh37 (hg19) VCF-style: chr4-101953510-TCA-T.
Other names: c.1251_1252del, p.Ser417fs (NM_001130691.2); c.1125_1126del, p.Ser375fs (NM_001130692.2); short protein forms S375fs, S417fs.
Identifiers: ClinVar variation 1703173 (VCV001703173.4), dbSNP rs2476210177, ClinGen allele CA2580071250.

ClinVar aggregate classification (germline): Pathogenic. Review status: criteria provided, multiple submitters, no conflicts (2 of 4 stars). 2 submissions from 2 submitters: Pathogenic (2). Last evaluated 2025-05-24.

Conditions:
Developmental and epileptic encephalopathy 91. Also called: EPILEPTIC ENCEPHALOPATHY, INFANTILE OR EARLY CHILDHOOD, 1. Identifiers: MedGen C4540199, MONDO:0020630, OMIM 617711.

Submissions (2):

Pediatric Department, Peking University First Hospital
Classification: Pathogenic for Developmental and epileptic encephalopathy 91. Last evaluated: 2025-05-24. Review status: criteria provided, single submitter. Criteria: ACMG Guidelines, 2015. Collection method: research. Allele origin: de novo. Affected: yes.
Comment: Pathogenic(PVS1, PS2_Moderate, PM2_Supporting)

Greenwood Genetic Center Diagnostic Laboratories, Greenwood Genetic Center
Classification: Pathogenic for Developmental and epileptic encephalopathy 91. Last evaluated: 2022-04-28. Review status: criteria provided, single submitter. Criteria: ACMG Guidelines, 2015. Collection method: clinical testing. Allele origin: germline. Affected: yes.
Comment: PVS1, PS2, PM2